The following is an entry in ClinVar:

ClinVar aggregate classification (germline): Uncertain significance (1 of 4 stars; one submission).

Conditions:
Developmental delay, impaired speech, and behavioral abnormalities. Identifiers: MedGen C5561957, MONDO:0859178, OMIM 619475.

gnomAD v4.1: 10 of 1,608,612 alleles (0.00062%); highest among the groups gnomAD compares: South Asian, 0.011%; no homozygotes.

Submission:

Genetics laboratory, Institute of Kidney Diseases & Research Centre Dr. H.L. Trivedi Institute Of Transplantation Sciences
Classification: Uncertain significance for Developmental delay, impaired speech, and behavioral abnormalities. Last evaluated: 2026-02-17. Review status: criteria provided, single submitter. Criteria: ACMG Guidelines, 2015. Collection method: clinical testing. Allele origin: germline. Inheritance: Autosomal dominant inheritance. Affected: yes. Observed: 1 variant allele, 1 heterozygote.
Comment: A heterozygous intronic variant, NM_003128.3:c.4585-4C>G, was identified in the SPTBN1 gene. The variant is absent or extremely rare in population databases (PM2). However, in the absence of additional evidence such as functional studies, segregation data, or well-established clinical evidence, the available evidence is insufficient to determine its pathogenicity. Therefore, according to ACMG/AMP guidelines, this variant is classified as a Variant of Uncertain Significance (VUS).

NM_003128.3(SPTBN1):c.4585-4C>G

Gene: SPTBN1 (spectrin beta, non-erythrocytic 1; plus strand). Cytogenetic location: 2p16.2.
Variant type: single nucleotide variant.
Coding change: c.4585-4C>G on transcript NM_003128.3 (MANE Select); 4 bases into the intron before coding-DNA position 4585, C replaced by G.
Molecular consequence: intron variant.
Genome position (GRCh38, 1-based): chr2:54,646,190, C>G. VCF-style: chr2-54646190-C-G. GRCh37 (hg19) VCF-style: chr2-54873327-C-G.
Other names: c.4546-4C>G (NM_178313.3).
Identifiers: ClinVar variation 4886928 (VCV004886928.1).
Genomic context (GRCh38, chr2:54,646,190, plus strand): 5'-TTGACATAAGCAGCAGACGGCTGCCATTTAGCAAGCCTTTGTGTGTATTTTCCGCTCCCT[C>G]CAGACCCTCCAGAAAGAAATCCAGGGGCACCAGCCTCGCATTGACGACATCTTTGAGAGG-3'